The following is an entry in ClinVar:

ClinVar aggregate classification (germline): Benign/Likely benign. Review status: criteria provided, multiple submitters, no conflicts (2 of 4 stars). 8 submissions from 8 submitters: Benign (1); Likely benign (6). 1 of the submissions does not count toward it. Last evaluated 2026-01-11.

Conditions:
Duchenne muscular dystrophy (DMD). Also called: MUSCULAR DYSTROPHY, PSEUDOHYPERTROPHIC PROGRESSIVE, DUCHENNE TYPE; Duchenne Muscular Dystrophy (DMD). Identifiers: Orphanet 98896, MedGen C0013264, MONDO:0010679, OMIM 310200.
Becker muscular dystrophy (BMD). Also called: Becker Muscular Dystrophy (BMD); MUSCULAR DYSTROPHY, PSEUDOHYPERTROPHIC PROGRESSIVE, BECKER TYPE. Identifiers: Orphanet 98895, MedGen C0917713, MONDO:0010311, OMIM 300376.
Dystrophin deficiency.
Cardiomyopathy (CMYO). Also called: Cardiomyopathies. Identifiers: Orphanet 167848, MedGen C0878544, MONDO:0004994, HP:0001638. Inheritance: Various modes of inheritance.
Cardiovascular phenotype. Identifiers: MedGen CN230736.

Allele frequency attached by ClinVar (database versions not stated): ExAC 0.00001; gnomAD 0.00003 and 0.00005; gnomAD exomes 0.00003 and 0.00005; TOPMed 0.00005; ESP Exome Variant Server 0.00009.
gnomAD v4.1: 68 of 1,208,210 alleles (0.0056%); highest among the groups gnomAD compares: Admixed American, 0.011%; no homozygotes.

Submissions (8):

Labcorp Genetics (formerly Invitae), Labcorp
Classification: Benign for Duchenne muscular dystrophy. Last evaluated: 2026-01-11. Review status: criteria provided, single submitter. Criteria: Invitae Variant Classification Sherloc (09022015). Collection method: clinical testing. Allele origin: germline.

Ambry Genetics
Classification: Likely benign for Cardiovascular phenotype. Last evaluated: 2024-11-02. Review status: criteria provided, single submitter. Criteria: Ambry Variant Classification Scheme 2023. Collection method: clinical testing. Allele origin: germline.

CeGaT Center for Human Genetics Tuebingen
Classification: Likely benign. Last evaluated: 2023-08-01. Review status: criteria provided, single submitter. Criteria: CeGaT Center For Human Genetics Tuebingen Variant Classification Criteria Version 2. Collection method: clinical testing. Allele origin: germline. Affected: yes. Observed: 1 variant allele.
Comment: DMD: BP4, BP7, BS2

Women's Health and Genetics/Laboratory Corporation of America, LabCorp
Classification: Likely benign. Last evaluated: 2021-08-18. Review status: criteria provided, single submitter. Criteria: LabCorp Variant Classification Summary - May 2015. Collection method: clinical testing. Allele origin: germline.

Athena Diagnostics
Classification: Likely benign. Last evaluated: 2019-01-07. Review status: criteria provided, single submitter. Criteria: Athena Diagnostics Criteria. Collection method: clinical testing. Allele origin: germline.

GeneDx
Classification: Likely benign. Last evaluated: 2016-08-10. Review status: criteria provided, single submitter. Criteria: GeneDx Variant Classification (06012015). Collection method: clinical testing. Allele origin: germline. Affected: yes.
Comment: This variant is considered likely benign or benign based on one or more of the following criteria: it is a conservative change, it occurs at a poorly conserved position in the protein, it is predicted to be benign by multiple in silico algorithms, and/or has population frequency not consistent with disease.

Breakthrough Genomics
Classification: Likely benign. Review status: criteria provided, single submitter. Criteria: ACMG Guidelines, 2015. Collection method: not provided. Allele origin: germline. Inheritance: X-linked inheritance. Affected: yes.

Natera, Inc.
Classification: Likely benign for Becker muscular dystrophy; Cardiomyopathy; Duchenne muscular dystrophy; Dystrophin deficiency. Last evaluated: 2019-07-02. Review status: no assertion criteria provided. Collection method: clinical testing. Allele origin: germline. Not counted in ClinVar's aggregate classification.

NM_004006.3(DMD):c.3114G>A (p.Glu1038=)

Gene: DMD (dystrophin; minus strand). Cytogenetic location: Xp21.1.
Variant type: single nucleotide variant.
Coding change: c.3114G>A on transcript NM_004006.3 (MANE Select); coding-DNA position 3114, G replaced by A.
Protein change: p.Glu1038=; no amino-acid change (glutamic acid 1038 retained).
Molecular consequence: synonymous variant.
Genome position (GRCh38, 1-based): chrX:32,468,546, C>T on the plus strand (G>A on the coding strand, the complement: DMD is on the minus strand). VCF-style: chrX-32468546-C-T. GRCh37 (hg19) VCF-style: chrX-32486663-C-T.
Other names: c.3090G>A, p.Glu1030= (NM_000109.4); c.3102G>A, p.Glu1034= (NM_004009.3); c.2745G>A, p.Glu915= (NM_004010.3).
Identifiers: ClinVar variation 388357 (VCV000388357.41), dbSNP rs143810752, ClinGen allele CA10379356.
Genomic context (GRCh38, chrX:32,468,546, plus strand): 5'-ATCTTGAATTACCTGAATTTTTCGGAGTTTATTCATTTGCTCCTCTAGCTTTTGACAATG[C>T]TCAACCAGCTGGGAGGAGAGCTTCTTCCAGCGTCCCTCAATTTCTTCAAATTCTGATTGA-3'
Protein context (NP_003997.2, residues 1028-1048): RWKKLSSQLV[Glu1038=]HCQKLEEQMN